The following is an entry in ClinVar:

NM_000188.3(HK1):c.2539G>A (p.Glu847Lys)

Gene: HK1 (hexokinase 1; plus strand). Cytogenetic location: 10q22.1.
Variant type: single nucleotide variant.
Coding change: c.2539G>A on transcript NM_000188.3 (MANE Select); coding-DNA position 2539, G replaced by A.
Protein change: p.Glu847Lys; replaces glutamic acid 847 with lysine.
Molecular consequence: missense variant.
Genome position (GRCh38, 1-based): chr10:69,398,758, G>A. VCF-style: chr10-69398758-G-A. GRCh37 (hg19) VCF-style: chr10-71158514-G-A.
Other names: c.2551G>A, p.Glu851Lys (NM_001322364.2, NM_001358263.1, NM_033497.3 and 1 more transcripts); c.2644G>A, p.Glu882Lys (NM_001322365.2); c.2455G>A, p.Glu819Lys (NM_001322366.1); c.2443G>A, p.Glu815Lys (NM_001322367.1); c.2536G>A, p.Glu846Lys (NM_033496.3); c.2503G>A, p.Glu835Lys (NM_033500.2); short protein forms E847K, E835K, E815K, E851K, E819K, E846K, E882K.
Identifiers: ClinVar variation 424845 (VCV000424845.29), dbSNP rs777849213, ClinGen allele CA5532875.

ClinVar aggregate classification (germline): Pathogenic/Likely pathogenic. Review status: criteria provided, multiple submitters, no conflicts (2 of 4 stars). 16 submissions from 16 submitters: Pathogenic (8); Likely pathogenic (6). 2 of the submissions do not count toward it. Last evaluated 2026-06-02.

Conditions:
HK1-related disorder. Also called: HK1-related disorders; HK1-related condition.
Retinal dystrophy. Also called: Inherited retinal dystrophy. Identifiers: Orphanet 71862, MedGen C0854723, MeSH D058499, MONDO:0019118, HP:0000556.
Retinitis pigmentosa 79 (RP79). Identifiers: MedGen C4479526, MONDO:0044320, OMIM 617460.

Allele frequency attached by ClinVar (database versions not stated): gnomAD exomes 0.00001; ExAC 0.00001.
gnomAD v4.1: 3 of 1,614,224 alleles (0.00019%); highest among the groups gnomAD compares: East Asian, 0.0022%; no homozygotes.

Submissions 1 to 13 of 16:

MVZ Martinsried, Medicover Genetics
Classification: Pathogenic for Retinitis pigmentosa 79. Last evaluated: 2026-06-02. Review status: criteria provided, single submitter. Criteria: ClinGen Variant Curation SOP V3.2 + Classification Guidance July2025. Collection method: clinical testing. Allele origin: unknown. Affected: yes. Observed: 1 heterozygote.

GeneDx
Classification: Likely pathogenic. Last evaluated: 2026-03-24. Review status: criteria provided, single submitter. Criteria: GeneDx Variant Classification Process June 2021. Collection method: clinical testing. Allele origin: germline.
Comment: A retrospective study of 28 patients who were heterozygous for this variant, revealed a median age of onset of 36 years. Pericentral retinitis pigmentosa was the predominant phenotype and almost all showed a perimacular hyperautofluorescent ring (PMID: 40163632); Observed in apparent homozygous state in a few patients with retinitis pigmentosa in the literature and not observed in homozygous state in controls; the features were described as more severe compared to heterozygous individuals (PMID: 25190649, 40163632); Functional studies did not demonstrate loss-of-function, suggesting that E847K may impair protein function by a gain-of-function effect (PMID: 25316723); In silico analysis suggests that this missense variant does not alter protein structure/function; This variant is associated with the following publications: (PMID: 26427411, 39843441, 25190649, 25316723, 28765615, 29847639, 31621442, 32814480, 29376001, 34866404, 33608557, 36819107, 33165303, 37734845, 36672815, 36284460, 30778173, 38179148, 38928247, 38956727, 38617198, 40163632, 41543775)

Dasa
Classification: Pathogenic. Last evaluated: 2025-12-06. Review status: criteria provided, single submitter. Criteria: DASA Assertion Criteria. Collection method: clinical testing. Allele origin: germline.
Comment: NM_000188.3(HK1):c.2539G>A (p.Glu847Lys) is a missense variant that results in the substitution of glutamic acid with lysine. Segregation evidence has been reported in affected families. Functional evidence supports a deleterious effect on the gene or gene product (PMID: 25316723; PMID: 25190649; PMID: 26427411; PMID: 28765615; PMID: 29847639). This variant has been recurrently observed in individuals with related phenotype (PMID: 25316723; PMID: 25190649; PMID: 26427411; PMID: 28765615; PMID: 29847639). Multiple computational predictions support a deleterious effect on the gene or gene product. The variant is present at low frequency in population datasets. Based on the available data, this variant is classified as pathogenic.

Labcorp Genetics (formerly Invitae), Labcorp
Classification: Pathogenic. Last evaluated: 2025-10-19. Review status: criteria provided, single submitter. Criteria: Invitae Variant Classification Sherloc (09022015). Collection method: clinical testing. Allele origin: germline.
Comment: This sequence change replaces glutamic acid, which is acidic and polar, with lysine, which is basic and polar, at codon 847 of the HK1 protein (p.Glu847Lys). This variant is present in population databases (rs777849213, gnomAD 0.01%). This missense change has been observed in individuals with autosomal dominant retinitis pigmentosa (PMID: 25190649, 25316723, 28765615). It has also been observed to segregate with disease in related individuals. This variant is also known as p.Glu851Lys. ClinVar contains an entry for this variant (Variation ID: 424845). Invitae Evidence Modeling of protein sequence and biophysical properties (such as structural, functional, and spatial information, amino acid conservation, physicochemical variation, residue mobility, and thermodynamic stability) has been performed for this missense variant. However, the output from this modeling did not meet the statistical confidence thresholds required to predict the impact of this variant on HK1 protein function. Experimental studies are conflicting or provide insufficient evidence to determine the effect of this variant on HK1 function (PMID: 25316723). For these reasons, this variant has been classified as Pathogenic.

SingHealth Duke-NUS Institute of Precision Medicine
Classification: Likely pathogenic for Retinitis pigmentosa 79. Last evaluated: 2025-02-05. Review status: criteria provided, single submitter. Criteria: PRISM ACMG Classification Criteria. Collection method: clinical testing. Allele origin: germline. Affected: yes.
Comment: REVEL score is 0.819 (PP3_mod). Variant is not found in gnomAD genomes (PM2). Cosegregation observed in multiple families in multiple studies (PP1_str, PMID:25316723;25190649;28765615)

Blueprint Genetics
Classification: Pathogenic for HK1-related disorders. Last evaluated: 2024-11-06. Review status: criteria provided, single submitter. Criteria: ACMG Guidelines, 2015. Collection method: clinical testing. Allele origin: germline. Affected: yes. Observed: 5 variant alleles.

3billion
Classification: Pathogenic for Retinitis pigmentosa 79. Last evaluated: 2024-10-15. Review status: criteria provided, single submitter. Criteria: ACMG Guidelines, 2015. Collection method: clinical testing. Allele origin: germline. Affected: yes.
Comment: The variant is observed at an extremely low frequency in the gnomAD v4.1.0 dataset (total allele frequency: <0.001%). Predicted Consequence/Location: Missense variant Functional studies provide moderate evidence of the variant having a damaging effect on the gene or gene product (PMID: 25316723). In silico tool predictions suggest damaging effect of the variant on gene or gene product [REVEL: 0.82 (>=0.6, sensitivity 0.68 and specificity 0.92)]. The same nucleotide change resulting in the same amino acid change has been previously reported as pathogenic/likely pathogenic with strong evidence (ClinVar ID: VCV000424845 /PMID: 25316723 /3billion dataset). The variant has been observed in multiple (>3) similarly affected unrelated individuals (PMID: 25190649, 25316723, 26427411, 28765615). The variant has been reported to co-segregate with the disease in at least 7 similarly affected relatives/individuals in at least two unrelated families (PMID: 25190649, 25316723, 26427411, 28765615). Therefore, this variant is classified as Pathogenic according to the recommendation of ACMG/AMP guideline.

Dept Of Ophthalmology, Nagoya University
Classification: Likely pathogenic for Retinal dystrophy. Last evaluated: 2023-10-01. Review status: criteria provided, single submitter. Criteria: Submitter's publication. Collection method: research. Allele origin: germline. Affected: yes.

MGZ Medical Genetics Center
Classification: Pathogenic for Retinitis pigmentosa 79. Last evaluated: 2022-02-07. Review status: criteria provided, single submitter. Criteria: ACMG Guidelines, 2015. Collection method: clinical testing. Allele origin: germline. Affected: yes. Observed: 1 variant allele.
Comment: ACMG criteria applied: PS4, PP1_STR, PM2_SUP, PP2, PP3

Centre of Medical Genetics, University Hospital Muenster
Classification: Pathogenic. Last evaluated: 2021-08-27. Review status: criteria provided, single submitter. Criteria: ACMG Guidelines, 2015. Collection method: clinical testing. Allele origin: unknown. Affected: yes. Observed: 1 variant allele, 1 heterozygote.
Comment: ACMG categories: PS3,PM1,PM2,PP3,PP4

Revvity Omics, Revvity
Classification: Likely pathogenic. Last evaluated: 2021-04-27. Review status: criteria provided, single submitter. Criteria: ACMG Guidelines, 2015. Collection method: clinical testing. Allele origin: germline.

Institute of Human Genetics, Univ. Regensburg, Univ. Regensburg
Classification: Likely pathogenic for Retinal dystrophy. Last evaluated: 2021-01-01. Review status: criteria provided, single submitter. Criteria: ACMG Guidelines, 2015. Collection method: clinical testing. Allele origin: germline. Affected: yes.

Institute of Medical Genetics and Applied Genomics, University Hospital Tübingen
Classification: Pathogenic. Last evaluated: 2020-10-23. Review status: criteria provided, single submitter. Criteria: ACMG Guidelines, 2015. Collection method: clinical testing. Allele origin: germline. Inheritance: Autosomal unknown. Affected: yes.